The following is an entry in ClinVar:

NM_000384.3(APOB):c.180T>C (p.Ser60=)

Genes: APOB (apolipoprotein B; minus strand), LOC106560211 (APOB 5' regulatory region; plus strand). Cytogenetic location: 2p24.1.
Variant type: single nucleotide variant.
Coding change: c.180T>C on transcript NM_000384.3 (MANE Select); coding-DNA position 180, T replaced by C.
Protein change: p.Ser60=; no amino-acid change (serine 60 retained).
Molecular consequence: synonymous variant.
Genome position (GRCh38, 1-based): chr2:21,042,418, A>G on the plus strand (T>C on the coding strand, the complement: APOB is on the minus strand). VCF-style: chr2-21042418-A-G. GRCh37 (hg19) VCF-style: chr2-21265290-A-G.
Other names: c.180T>C (NM_000384.2).
Identifiers: ClinVar variation 1596987 (VCV001596987.10), dbSNP rs1225537247, ClinGen allele CA425121785.

ClinVar aggregate classification (germline): Likely benign. Review status: criteria provided, multiple submitters, no conflicts (2 of 4 stars). 3 submissions from 3 submitters: Likely benign (3). Last evaluated 2025-08-29.

Conditions:
Cardiovascular phenotype. Identifiers: MedGen CN230736.
Hypercholesterolemia, autosomal dominant, type B (FHCL2). Also called: Familial hypercholesterolemia 2; Hyperlipoproteinemia Type IIb; Familial Hypercholesterolemia Type B; APOB-Related Familial Hypercholesterolemia, Autosomal Dominant; APOLIPOPROTEIN B-100, FAMILIAL DEFECTIVE; APOLIPOPROTEIN B-100, FAMILIAL LIGAND-DEFECTIVE. Identifiers: MedGen C1704417, MONDO:0007751, OMIM 144010.
Familial hypobetalipoproteinemia 1. Also called: APOB-Related Familial Hypobetalipoproteinemia; Hypobetalipoproteinemia, normotriglyceridemic; Acanthocytosis with hypobetalipoproteinemia. Identifiers: MedGen C4551990, MONDO:0014252, OMIM 615558.
Familial hypercholesterolemia. Also called: Familial hypercholesterolaemia; Familial hypercholesterolemias. Identifiers: MedGen C0020445, MONDO:0005439.

Allele frequency attached by ClinVar (database versions not stated): gnomAD exomes below 0.00001 and 0.00001; gnomAD 0.00001; TOPMed 0.00001.
gnomAD v4.1: 10 of 1,613,840 alleles (0.00062%); highest among the groups gnomAD compares: Admixed American, 0.005%; no homozygotes.

Submissions (3):

Labcorp Genetics (formerly Invitae), Labcorp
Classification: Likely benign for Familial hypobetalipoproteinemia 1; Hypercholesterolemia, autosomal dominant, type B. Last evaluated: 2025-08-29. Review status: criteria provided, single submitter. Criteria: Invitae Variant Classification Sherloc (09022015). Collection method: clinical testing. Allele origin: germline.

Ambry Genetics
Classification: Likely benign for Cardiovascular phenotype. Last evaluated: 2025-05-10. Review status: criteria provided, single submitter. Criteria: Ambry Variant Classification Scheme 2023. Collection method: clinical testing. Allele origin: germline.

GENinCode PLC
Classification: Likely benign for Familial hypercholesterolemia. Last evaluated: 2025-04-11. Review status: criteria provided, single submitter. Criteria: ACMG Guidelines, 2015. Collection method: clinical testing. Allele origin: germline.
Comment: This is a synonymous (silent) variant that is not predicted to impact splicing and occurs at a nucleotide which is not highly conserved. This variant has been classified as Likely Benign (BP4, BP7).